The following is an entry in ClinVar:

ClinVar aggregate classification (germline): Uncertain significance (1 of 4 stars; one submission).

Conditions:
Hereditary cancer-predisposing syndrome. Also called: Neoplastic Syndromes, Hereditary; Hereditary Cancer Syndrome; Tumor predisposition; Hereditary neoplastic syndrome. Identifiers: Orphanet 140162, MedGen C0027672, MeSH D009386, MONDO:0015356.

Submission:

Ambry Genetics
Classification: Uncertain significance for Hereditary cancer-predisposing syndrome. Last evaluated: 2024-12-20. Review status: criteria provided, single submitter. Criteria: Ambry Variant Classification Scheme 2023. Collection method: clinical testing. Allele origin: germline.
Comment: The p.R1233P variant (also known as c.3698G>C), located in coding exon 30 of the POLE gene, results from a G to C substitution at nucleotide position 3698. The arginine at codon 1233 is replaced by proline, an amino acid with dissimilar properties. This amino acid position is conserved. In addition, the in silico prediction for this alteration is inconclusive. Based on the available evidence, the clinical significance of this variant remains unclear.

NM_006231.4(POLE):c.3698G>C (p.Arg1233Pro)

Gene: POLE (DNA polymerase epsilon, catalytic subunit; minus strand). Cytogenetic location: 12q24.33.
Variant type: single nucleotide variant.
Coding change: c.3698G>C on transcript NM_006231.4 (MANE Select); coding-DNA position 3698, G replaced by C.
Protein change: p.Arg1233Pro; replaces arginine 1233 with proline.
Molecular consequence: missense variant.
Genome position (GRCh38, 1-based): chr12:132,649,774, C>G on the plus strand (G>C on the coding strand, the complement: POLE is on the minus strand). VCF-style: chr12-132649774-C-G. GRCh37 (hg19) VCF-style: chr12-133226360-C-G.
Other names: short protein forms R1233P.
Identifiers: ClinVar variation 3781536 (VCV003781536.1).